The following is an entry in ClinVar:

ClinVar aggregate classification (germline): Pathogenic (1 of 4 stars; one submission).

Conditions:
RYR1-related disorder. Also called: RYR1-related disorders; RYR1-related condition. Identifiers: MedGen CN239331.

Submission:

Labcorp Genetics (formerly Invitae), Labcorp
Classification: Pathogenic for RYR1-related disorder. Last evaluated: 2023-09-15. Review status: criteria provided, single submitter. Criteria: Invitae Variant Classification Sherloc (09022015). Collection method: clinical testing. Allele origin: unknown.
Comment: For these reasons, this variant has been classified as Pathogenic. This variant has not been reported in the literature in individuals affected with RYR1-related conditions. This variant is a gross deletion of the genomic region encompassing exon(s) 43-64 of the RYR1 gene. This deletion is out-of-frame, and is expected to create a premature termination codon and result in an absent or disrupted protein product. Loss-of-function variants in RYR1 are known to be pathogenic (PMID: 23919265, 25960145, 28818389, 30611313).

Literature cited by the submitters: PubMed 23919265; PubMed 25960145; PubMed 28818389; PubMed 30611313.

NC_000019.9:g.(?_38989728)_(39005767_?)del

Gene: RYR1 (ryanodine receptor 1; plus strand). Cytogenetic location: 19q13.2.
Variant type: Deletion.
Identifiers: ClinVar variation 3242614 (VCV003242614.1).